The following is an entry in ClinVar:

NM_003036.4(SKI):c.1192C>T (p.Pro398Ser)

Gene: SKI (SKI proto-oncogene; plus strand). Cytogenetic location: 1p36.32.
Variant type: single nucleotide variant.
Coding change: c.1192C>T on transcript NM_003036.4 (MANE Select); coding-DNA position 1192, C replaced by T.
Protein change: p.Pro398Ser; replaces proline 398 with serine.
Molecular consequence: missense variant.
Genome position (GRCh38, 1-based): chr1:2,303,381, C>T. VCF-style: chr1-2303381-C-T. GRCh37 (hg19) VCF-style: chr1-2234820-C-T.
Other names: short protein forms P398S.
Identifiers: ClinVar variation 1178400 (VCV001178400.7), dbSNP rs1640476669, ClinGen allele CA337954622.

ClinVar aggregate classification (germline): Uncertain significance. Review status: criteria provided, multiple submitters, no conflicts (2 of 4 stars). 2 submissions from 2 submitters: Uncertain significance (2). Last evaluated 2022-01-20.

Conditions:
Shprintzen-Goldberg syndrome (SGS). Also called: Marfanoid disorder with craniosynostosis type 1; Marfanoid craniosynostosis syndrome; Shprintzen-Goldberg marfanoid syndrome; SHPRINTZEN-GOLDBERG CRANIOSYNOSTOSIS SYNDROME; CRANIOSYNOSTOSIS WITH ARACHNODACTYLY AND ABDOMINAL HERNIAS. Identifiers: Orphanet 2462, MedGen C1321551, MONDO:0008426, OMIM 182212.

Allele frequency attached by ClinVar (database versions not stated): gnomAD exomes below 0.00001; TOPMed 0.00001.
gnomAD v4.1: 2 of 1,613,294 alleles (0.00012%); highest among the groups gnomAD compares: Non-Finnish European, 0.000085%; no homozygotes.

Submissions (2):

Labcorp Genetics (formerly Invitae), Labcorp
Classification: Uncertain significance for Shprintzen-Goldberg syndrome. Last evaluated: 2022-01-20. Review status: criteria provided, single submitter. Criteria: Invitae Variant Classification Sherloc (09022015). Collection method: clinical testing. Allele origin: germline.
Comment: This variant has not been reported in the literature in individuals affected with SKI-related conditions. In summary, the available evidence is currently insufficient to determine the role of this variant in disease. Therefore, it has been classified as a Variant of Uncertain Significance. Advanced modeling of protein sequence and biophysical properties (such as structural, functional, and spatial information, amino acid conservation, physicochemical variation, residue mobility, and thermodynamic stability) performed at Invitae indicates that this missense variant is not expected to disrupt SKI protein function. ClinVar contains an entry for this variant (Variation ID: 1178400). This variant is not present in population databases (gnomAD no frequency). This sequence change replaces proline, which is neutral and non-polar, with serine, which is neutral and polar, at codon 398 of the SKI protein (p.Pro398Ser).

GeneDx
Classification: Uncertain significance. Last evaluated: 2021-01-25. Review status: criteria provided, single submitter. Criteria: GeneDx Variant Classification Process June 2021. Collection method: clinical testing. Allele origin: germline. Affected: yes.
Comment: Has not been previously published as pathogenic or benign to our knowledge; Not observed in large population cohorts (Lek et al., 2016); In silico analysis supports that this missense variant does not alter protein structure/function